The following is an entry in ClinVar:

NM_000433.4(NCF2):c.229C>T (p.Arg77Ter)

Gene: NCF2 (neutrophil cytosolic factor 2; minus strand). Cytogenetic location: 1q25.3.
Variant type: single nucleotide variant.
Coding change: c.229C>T on transcript NM_000433.4 (MANE Select); coding-DNA position 229, C replaced by T.
Protein change: p.Arg77Ter; replaces arginine 77 with a stop codon.
Molecular consequence: nonsense.
Genome position (GRCh38, 1-based): chr1:183,586,923, G>A on the plus strand (C>T on the coding strand, the complement: NCF2 is on the minus strand). VCF-style: chr1-183586923-G-A. GRCh37 (hg19) VCF-style: chr1-183556058-G-A.
Other names: c.229C>T, p.Arg77Ter (NM_001127651.3, NM_001190789.2, NM_001190794.2 and 1 more transcripts); short protein forms R77*.
Identifiers: ClinVar variation 2734056 (VCV002734056.9), dbSNP rs752901695, ClinGen allele CA1285026.

ClinVar aggregate classification (germline): Pathogenic. Review status: criteria provided, multiple submitters, no conflicts (2 of 4 stars). 4 submissions from 4 submitters: Pathogenic (4). Last evaluated 2025-11-12.

Conditions:
Granulomatous disease, chronic, autosomal recessive, cytochrome b-positive, type 2. Also called: CGD, AUTOSOMAL RECESSIVE CYTOCHROME b-POSITIVE, TYPE II; Chronic Granulomatous Disease, Autosomal Recessive, Cytochrome b-Positive, Type II; GRANULOMATOUS DISEASE, CHRONIC, DUE TO NCF2 DEFICIENCY; GRANULOMATOUS DISEASE, CHRONIC, AUTOSOMAL RECESSIVE, 2; Chronic granulomatous disease due to deficiency of NCF-2. Identifiers: Orphanet 379, MedGen C1856245, MONDO:0009310, OMIM 233710.
Chronic granulomatous disease. Identifiers: Orphanet 379, MedGen C0018203, MONDO:0018305.

Allele frequency attached by ClinVar (database versions not stated): ExAC 0.00002.
gnomAD v4.1: 40 of 1,613,928 alleles (0.0025%); highest among the groups gnomAD compares: Non-Finnish European, 0.0032%; no homozygotes.

Submissions (4):

Labcorp Genetics (formerly Invitae), Labcorp
Classification: Pathogenic for Granulomatous disease, chronic, autosomal recessive, cytochrome b-positive, type 2. Last evaluated: 2025-11-12. Review status: criteria provided, single submitter. Criteria: Invitae Variant Classification Sherloc (09022015). Collection method: clinical testing. Allele origin: germline.
Comment: This sequence change creates a premature translational stop signal (p.Arg77*) in the NCF2 gene. It is expected to result in an absent or disrupted protein product. Loss-of-function variants in NCF2 are known to be pathogenic (PMID: 10498624, 20167518). This variant is present in population databases (rs752901695, gnomAD 0.004%). This premature translational stop signal has been observed in individual(s) with chronic granulomatous disease (PMID: 19624736, 32040803). ClinVar contains an entry for this variant (Variation ID: 2734056). Algorithms developed to predict the effect of sequence changes on RNA splicing suggest that this variant may disrupt the consensus splice site. For these reasons, this variant has been classified as Pathogenic.

First Genomix Gene Laboratory, Genetic Diagnostics Department
Classification: Pathogenic for Granulomatous disease, chronic, autosomal recessive, cytochrome b-positive, type 2. Last evaluated: 2025-03-18. Review status: criteria provided, single submitter. Criteria: ACMG Guidelines, 2015. Collection method: clinical testing. Allele origin: germline. Inheritance: Autosomal recessive inheritance. Affected: no. Observed: 1 variant allele.

Women's Health and Genetics/Laboratory Corporation of America, LabCorp
Classification: Pathogenic for Chronic granulomatous disease. Last evaluated: 2025-01-10. Review status: criteria provided, single submitter. Criteria: LabCorp Variant Classification Summary - May 2015. Collection method: clinical testing. Allele origin: germline.
Comment: Variant summary: NCF2 c.229C>T (p.Arg77X) results in a premature termination codon, predicted to cause a truncation of the encoded protein or absence of the protein due to nonsense mediated decay, which are commonly known mechanisms for disease. The variant allele was found at a frequency of 1.6e-05 in 251494 control chromosomes. c.229C>T has been reported in the literature in multiple homozygous individuals affected with Chronic Granulomatous Disease (e.g. Blancas-Galicia_2020). These data indicate that the variant is very likely to be associated with disease. To our knowledge, no experimental evidence demonstrating an impact on protein function has been reported. The following publication has been ascertained in the context of this evaluation (PMID: 32040803). ClinVar contains an entry for this variant (Variation ID: 2734056). Based on the evidence outlined above, the variant was classified as pathogenic.

Genomic Medicine Center of Excellence, King Faisal Specialist Hospital and Research Centre
Classification: Pathogenic for Granulomatous disease, chronic, autosomal recessive, cytochrome b-positive, type 2. Last evaluated: 2024-03-14. Review status: criteria provided, single submitter. Criteria: ACMG Guidelines, 2015. Collection method: research. Allele origin: germline.

Literature cited by the submitters: PubMed 10498624 (cited by Labcorp Genetics (formerly Invitae), Labcorp); PubMed 20167518 (cited by Labcorp Genetics (formerly Invitae), Labcorp); PubMed 19624736 (cited by Labcorp Genetics (formerly Invitae), Labcorp); PubMed 32040803 (cited by Labcorp Genetics (formerly Invitae), Labcorp and Women's Health and Genetics/Laboratory Corporation of America, LabCorp).